The following is an entry in ClinVar:

ClinVar aggregate classification (germline): Conflicting classifications of pathogenicity. Review status: criteria provided, conflicting classifications (1 of 4 stars). 3 submissions from 3 submitters: Likely pathogenic (2); Uncertain significance (1). Last evaluated 2024-08-26.

Conditions:
Hereditary breast ovarian cancer syndrome. Also called: Hereditary breast and ovarian cancer syndrome (HBOC); Hereditary breast and ovarian cancer; BRCA1- and BRCA2-Associated Hereditary Breast and Ovarian Cancer; Breast and ovarian cancer; Hereditary breast and ovarian cancer syndrome; Hereditary breast and/or ovarian cancer syndrome. Identifiers: Orphanet 145, MedGen C0677776, MeSH D061325, MONDO:0003582. Disease mechanism: loss of function.
Hereditary cancer-predisposing syndrome. Also called: Hereditary neoplastic syndrome; Tumor predisposition; Hereditary Cancer Syndrome; Neoplastic Syndromes, Hereditary. Identifiers: Orphanet 140162, MedGen C0027672, MeSH D009386, MONDO:0015356.

Submissions (4):

Ambry Genetics
Classification: Likely pathogenic for Hereditary cancer-predisposing syndrome. Last evaluated: 2024-08-26. Review status: criteria provided, single submitter. Criteria: Ambry Variant Classification Scheme 2023. Collection method: clinical testing. Allele origin: germline.
Comment: The p.L1657P variant (also known as c.4970T>C), located in coding exon 14 of the BRCA1 gene, results from a T to C substitution at nucleotide position 4970. The leucine at codon 1657 is replaced by proline, an amino acid with similar properties. In one study, this variant exhibited loss of function when studied by a temperature-sensitive transcriptional activation assay (Carvalho MA et al. Cancer Biol Ther;1:502-8). Another functional study found that this nucleotide substitution is deleterious in a high throughput genome editing haploid cell survival assay (Findlay GM et al. Nature, 2018 Oct;562:217-222). Based on structural analysis, this variant is more disruptive than known pathogenic variants (Ambry internal data). Of note, this alteration is also known as 5089T>C in published literature. This amino acid position is highly conserved in available vertebrate species. In addition, this alteration is predicted to be deleterious by in silico analysis. This variant is considered to be rare based on population cohorts in the Genome Aggregation Database (gnomAD). Based on the majority of available evidence to date, this variant is likely to be pathogenic.

Hereditary Cancer Laboratory, Hospital Universitario 12 de Octubre
Classification: Likely pathogenic for Hereditary cancer-predisposing syndrome. Last evaluated: 2024-03-21. Review status: criteria provided, single submitter. Criteria: ACMG Guidelines, 2015. Collection method: clinical testing. Allele origin: germline.
Comment: PS3+PM2+PP3

Labcorp Genetics (formerly Invitae), Labcorp
Classification: Uncertain significance for Hereditary breast ovarian cancer syndrome. Last evaluated: 2021-08-15. Review status: criteria provided, single submitter. Criteria: Invitae Variant Classification Sherloc (09022015). Collection method: clinical testing. Allele origin: germline.
Comment: This sequence change replaces leucine with proline at codon 1657 of the BRCA1 protein (p.Leu1657Pro). The leucine residue is highly conserved and there is a moderate physicochemical difference between leucine and proline. This variant is not present in population databases (ExAC no frequency). This variant has not been reported in the literature in individuals affected with BRCA1-related conditions. ClinVar contains an entry for this variant (Variation ID: 661520). Advanced modeling of experimental studies (such as gene expression, population dynamics, functional pathways, and cell-cycle effects in cell culture) performed at Invitae indicates that this missense variant is expected to disrupt BRCA1 protein function. Experimental studies have shown that this missense change affects BRCA1 function (PMID: 12496477, 30209399). In summary, the available evidence is currently insufficient to determine the role of this variant in disease. Therefore, it has been classified as a Variant of Uncertain Significance.

Brotman Baty Institute, University of Washington
No classification provided (evidence only). Condition: Breast-ovarian cancer, familial 1. Review status: no classification provided. Collection method: in vitro. Allele origin: not applicable. Functional consequence: functionally_abnormal. Not counted in ClinVar's aggregate classification.
ClinVar note: "not provided" was previously submitted as the classification for the variant. However, the classification appeared to be based only on an observation of functional data so it was converted to no classification on 2025-07-30.

Literature cited by the submitters: PubMed 12496477 (cited by Ambry Genetics and Labcorp Genetics (formerly Invitae), Labcorp); PubMed 30209399 (cited by Ambry Genetics and Labcorp Genetics (formerly Invitae), Labcorp).

NM_007294.4(BRCA1):c.4970T>C (p.Leu1657Pro)

Gene: BRCA1 (BRCA1 DNA repair associated; minus strand). Cytogenetic location: 17q21.31.
Variant type: single nucleotide variant.
Coding change: c.4970T>C on transcript NM_007294.4 (MANE Select); coding-DNA position 4970, T replaced by C.
Protein change: p.Leu1657Pro; replaces leucine 1657 with proline.
Molecular consequence: missense variant. On other transcripts: non-coding transcript variant (1).
Genome position (GRCh38, 1-based): chr17:43,070,944, A>G on the plus strand (T>C on the coding strand, the complement: BRCA1 is on the minus strand). VCF-style: chr17-43070944-A-G. GRCh37 (hg19) VCF-style: chr17-41222961-A-G.
Other names: c.4757T>C, p.Leu1586Pro (NM_001407571.1, NM_001407894.1, NM_001407895.1 and 12 more transcripts); c.5036T>C, p.Leu1679Pro (NM_001407581.1, NM_001407582.1); c.5033T>C, p.Leu1678Pro (NM_001407583.1, NM_001407585.1, NM_001407587.1 and 1 more transcripts); c.5030T>C, p.Leu1677Pro (NM_001407590.1, NM_001407591.1); c.4970T>C, p.Leu1657Pro (NM_001407593.1, NM_001407594.1, NM_001407596.1 and 8 more transcripts); c.4967T>C, p.Leu1656Pro (NM_001407619.1, NM_001407620.1, NM_001407621.1 and 17 more transcripts); c.4964T>C, p.Leu1655Pro (NM_001407627.1, NM_001407638.1, NM_001407639.1 and 14 more transcripts); c.4961T>C, p.Leu1654Pro (NM_001407644.1, NM_001407645.1); and 70 more; short protein forms L1610P, L553P, L1657P, L1678P, L1361P, L1529P, L1608P, L1615P.
Identifiers: ClinVar variation 661520 (VCV000661520.16), dbSNP rs1597830263, ClinGen allele CA10591586.